The following is an entry in ClinVar:

ClinVar aggregate classification (germline): Pathogenic/Likely pathogenic. Review status: criteria provided, multiple submitters, no conflicts (2 of 4 stars). 5 submissions from 5 submitters: Pathogenic (3); Likely pathogenic (1). 1 of the submissions does not count toward it. Last evaluated 2024-08-19.

Conditions:
Gastric cancer. Also called: Malignant tumor of stomach; Stomach cancer. Identifiers: MedGen C0024623, MeSH D013274, MONDO:0001056, OMIM 613659, HP:0012126.
Familial adenomatous polyposis 2. Also called: Adenomas, multiple colorectal; MUTYH-related attenuated familial adenomatous polyposis; FAP type 2; COLORECTAL ADENOMATOUS POLYPOSIS, AUTOSOMAL RECESSIVE; ADENOMAS, MULTIPLE COLORECTAL, AUTOSOMAL RECESSIVE; MUTYH Polyposis. Identifiers: Orphanet 220460, Orphanet 247798, MedGen C3272841, MONDO:0012041, OMIM 608456.
Hereditary cancer-predisposing syndrome. Also called: Neoplastic Syndromes, Hereditary; Hereditary neoplastic syndrome; Hereditary Cancer Syndrome; Tumor predisposition. Identifiers: Orphanet 140162, MedGen C0027672, MeSH D009386, MONDO:0015356.

Submissions (5):

St. Jude Molecular Pathology, St. Jude Children's Research Hospital
Classification: Pathogenic for Familial adenomatous polyposis 2. Last evaluated: 2024-08-19. Review status: criteria provided, single submitter. Criteria: St. Jude Assertion Criteria 2020. Collection method: clinical testing. Allele origin: germline.
Comment: The MUTYH c.392G>A (p.Trp131Ter) change is a nonsense variant that is predicted to cause premature protein truncation and loss of normal protein function. Loss-of-function variants in MUTYH are known to be pathogenic (PMID: 18534194, 23035301). This variant is absent in gnomAD v2.1.1. This variant has been reported in an individual undergoing hereditary cancer panel or colorectal cancer testing (PMID: 24763289). It is unknown if the individual harbored biallelic MUTYH variants. In summary, this variant meets criteria to be classified as pathogenic.

Ambry Genetics
Classification: Pathogenic for Hereditary cancer-predisposing syndrome. Last evaluated: 2024-07-12. Review status: criteria provided, single submitter. Criteria: Ambry Variant Classification Scheme 2023. Collection method: clinical testing. Allele origin: germline.
Comment: The p.W131* pathogenic mutation (also known as c.392G>A), located in coding exon 5 of the MUTYH gene, results from a G to A substitution at nucleotide position 392. This changes the amino acid from a tryptophan to a stop codon within coding exon 5. In addition, this nucleotide position is highly conserved in available vertebrate species and in silico splice site analysis predicts that this alteration will result in the creation or strengthening of a novel splice acceptor site. RNA studies have demonstrated that this alteration results in abnormal splicing in the set of samples tested (Ambry internal data). This variant is considered to be rare based on population cohorts in the Genome Aggregation Database (gnomAD). This alteration is expected to result in loss of function by premature protein truncation or nonsense-mediated mRNA decay. As such, this alteration is interpreted as a disease-causing mutation.

Baylor Genetics
Classification: Likely pathogenic for Familial adenomatous polyposis 2. Last evaluated: 2023-04-14. Review status: criteria provided, single submitter. Criteria: ACMG Guidelines, 2015. Collection method: clinical testing. Allele origin: unknown.

Labcorp Genetics (formerly Invitae), Labcorp
Classification: Pathogenic for Familial adenomatous polyposis 2. Last evaluated: 2023-03-09. Review status: criteria provided, single submitter. Criteria: Invitae Variant Classification Sherloc (09022015). Collection method: clinical testing. Allele origin: germline.
Comment: ClinVar contains an entry for this variant (Variation ID: 1801675). This sequence change creates a premature translational stop signal (p.Trp131*) in the MUTYH gene. RNA analysis indicates that this premature translational stop signal induces altered splicing and may result in an absent or disrupted protein product. This variant is not present in population databases (gnomAD no frequency). This variant has not been reported in the literature in individuals affected with MUTYH-related conditions. Studies have shown that this premature translational stop signal results in activation of a cryptic splice site and introduces a premature termination codon (Invitae). The resulting mRNA is expected to undergo nonsense-mediated decay. For these reasons, this variant has been classified as Pathogenic.

Laboratory for Genotyping Development, RIKEN
Classification: Pathogenic for Gastric cancer. Last evaluated: 2021-07-01. Review status: no assertion criteria provided. Collection method: research. Allele origin: germline. Not counted in ClinVar's aggregate classification.

Literature cited by the submitters: PubMed 36988593 (cited by Laboratory for Genotyping Development, RIKEN).

NM_001048174.2(MUTYH):c.308G>A (p.Trp103Ter)

Gene: MUTYH (mutY DNA glycosylase; minus strand). Cytogenetic location: 1p34.1.
Variant type: single nucleotide variant.
Coding change: c.308G>A on transcript NM_001048174.2 (MANE Select); coding-DNA position 308, G replaced by A.
Protein change: p.Trp103Ter; replaces tryptophan 103 with a stop codon.
Molecular consequence: nonsense. On other transcripts: non-coding transcript variant (1), intron variant (2).
Genome position (GRCh38, 1-based): chr1:45,333,167, C>T on the plus strand (G>A on the coding strand, the complement: MUTYH is on the minus strand). VCF-style: chr1-45333167-C-T. GRCh37 (hg19) VCF-style: chr1-45798839-C-T.
Other names: c.308G>A, p.Trp103Ter (NM_001048171.2, NM_001048173.2, NM_001293195.2 and 6 more transcripts); c.311G>A, p.Trp104Ter (NM_001048172.2, NM_001407071.1, NM_001407078.1 and 2 more transcripts); c.392G>A, p.Trp131Ter (NM_001128425.2); c.353G>A, p.Trp118Ter (NM_001293190.2); c.341G>A, p.Trp114Ter (NM_001293191.2, NM_001407077.1); c.32G>A, p.Trp11Ter (NM_001293192.2, NM_001293196.2, NM_001407091.1); c.383G>A, p.Trp128Ter (NM_001407069.1, NM_012222.3); c.350G>A, p.Trp117Ter (NM_001407073.1, NM_001407083.1, NM_001407085.1); and 3 more; short protein forms W103*, W104*, W11*, W110*, W114*, W117*, W118*, W128*.
Identifiers: ClinVar variation 1801675 (VCV001801675.17), dbSNP rs1300812494, ClinGen allele CA340136214.